The following is an entry in ClinVar:

NM_001382637.1(OTUD7A):c.862C>T (p.His288Tyr)

Gene: OTUD7A (OTU deubiquitinase 7A; minus strand). Cytogenetic location: 15q13.3.
Variant type: single nucleotide variant.
Coding change: c.862C>T on transcript NM_001382637.1 (MANE Select); coding-DNA position 862, C replaced by T.
Protein change: p.His288Tyr; replaces histidine 288 with tyrosine.
Molecular consequence: missense variant.
Genome position (GRCh38, 1-based): chr15:31,526,380, G>A on the plus strand (C>T on the coding strand, the complement: OTUD7A is on the minus strand). VCF-style: chr15-31526380-G-A. GRCh37 (hg19) VCF-style: chr15-31818583-G-A.
Other names: c.862C>T, p.His288Tyr (NM_001329907.2); c.841C>T, p.His281Tyr (NM_130901.3); short protein forms H281Y, H288Y.
Identifiers: ClinVar variation 3356102 (VCV003356102.1).

ClinVar aggregate classification (germline): Uncertain significance (0 of 4 stars; one submission).

Conditions:
OTUD7A-related disorder. Also called: OTUD7A-related condition.

gnomAD v4.1: 1 of 1,601,320 alleles (0.000062%); highest among the groups gnomAD compares: Non-Finnish European, 0.000085%; no homozygotes.

Submission:

PreventionGenetics, part of Exact Sciences
Classification: Uncertain significance for OTUD7A-related condition. Last evaluated: 2024-05-07. Review status: no assertion criteria provided. Collection method: clinical testing. Allele origin: germline.
Comment: The OTUD7A c.841C>T variant is predicted to result in the amino acid substitution p.His281Tyr. To our knowledge, this variant has not been reported in the literature or in a large population database, indicating this variant is rare. At this time, the clinical significance of this variant is uncertain due to the absence of conclusive functional and genetic evidence.